The following is an entry in ClinVar:

ClinVar aggregate classification (germline): Uncertain significance (1 of 4 stars; one submission).

Conditions:
Deficiency of ferroxidase (ACEP). Also called: Aceruloplasminemia; Ceruloplasmin deficiency; Familial apoceruloplasmin deficiency; Hereditary ceruloplasmin deficiency; Deficiency of ceruloplasmin; NEURODEGENERATION WITH BRAIN IRON ACCUMULATION 10. Identifiers: Orphanet 48818, MedGen C0878682, MONDO:0011426, OMIM 604290, HP:0025498.

Allele frequency attached by ClinVar (database versions not stated): gnomAD exomes below 0.00001.
gnomAD v4.1: 3 of 1,614,014 alleles (0.00019%); highest among the groups gnomAD compares: Admixed American, 0.0033%; no homozygotes.

Submission:

Labcorp Genetics (formerly Invitae), Labcorp
Classification: Uncertain significance for Deficiency of ferroxidase. Last evaluated: 2022-07-06. Review status: criteria provided, single submitter. Criteria: Invitae Variant Classification Sherloc (09022015). Collection method: clinical testing. Allele origin: germline.
Comment: This variant is present in population databases (no rsID available, gnomAD 0.006%). This sequence change replaces proline, which is neutral and non-polar, with serine, which is neutral and polar, at codon 318 of the CP protein (p.Pro318Ser). This variant has not been reported in the literature in individuals affected with CP-related conditions. Advanced modeling of protein sequence and biophysical properties (such as structural, functional, and spatial information, amino acid conservation, physicochemical variation, residue mobility, and thermodynamic stability) performed at Invitae indicates that this missense variant is expected to disrupt CP protein function. In summary, the available evidence is currently insufficient to determine the role of this variant in disease. Therefore, it has been classified as a Variant of Uncertain Significance.

NM_000096.4(CP):c.952C>T (p.Pro318Ser)

Gene: CP (ceruloplasmin; minus strand). Cytogenetic location: 3q25.1.
Variant type: single nucleotide variant.
Coding change: c.952C>T on transcript NM_000096.4 (MANE Select); coding-DNA position 952, C replaced by T.
Protein change: p.Pro318Ser; replaces proline 318 with serine.
Molecular consequence: missense variant. On other transcripts: non-coding transcript variant (1).
Genome position (GRCh38, 1-based): chr3:149,207,447, G>A on the plus strand (C>T on the coding strand, the complement: CP is on the minus strand). VCF-style: chr3-149207447-G-A. GRCh37 (hg19) VCF-style: chr3-148925234-G-A.
Other names: short protein forms P318S.
Identifiers: ClinVar variation 2160474 (VCV002160474.4), dbSNP rs1559956207, ClinGen allele CA354914728.